The following is an entry in ClinVar:

ClinVar aggregate classification (germline): Pathogenic (1 of 4 stars; one submission).

Conditions:
COG5-congenital disorder of glycosylation. Also called: CDG IIi; COG5-CDG; CONGENITAL DISORDER OF GLYCOSYLATION, TYPE IIi. Identifiers: Orphanet 263487, MedGen C3150876, MONDO:0013325, OMIM 613612.

Submission:

Labcorp Genetics (formerly Invitae), Labcorp
Classification: Pathogenic for COG5-congenital disorder of glycosylation. Last evaluated: 2024-06-04. Review status: criteria provided, single submitter. Criteria: Invitae Variant Classification Sherloc (09022015). Collection method: clinical testing. Allele origin: germline.
Comment: This sequence change creates a premature translational stop signal (p.Leu117*) in the COG5 gene. It is expected to result in an absent or disrupted protein product. Loss-of-function variants in COG5 are known to be pathogenic (PMID: 23228021). This variant is not present in population databases (gnomAD no frequency). This variant has not been reported in the literature in individuals affected with COG5-related conditions. For these reasons, this variant has been classified as Pathogenic.

Literature cited by the submitters: PubMed 23228021.

NM_006348.5(COG5):c.257T>A (p.Leu86Ter)

Gene: COG5 (component of oligomeric golgi complex 5; minus strand). Cytogenetic location: 7q22.3.
Variant type: single nucleotide variant.
Coding change: c.257T>A on transcript NM_006348.5 (MANE Select); coding-DNA position 257, T replaced by A.
Protein change: p.Leu86Ter; replaces leucine 86 with a stop codon.
Molecular consequence: nonsense. On other transcripts: intron variant (1).
Genome position (GRCh38, 1-based): chr7:107,554,320, A>T on the plus strand (T>A on the coding strand, the complement: COG5 is on the minus strand). VCF-style: chr7-107554320-A-T. GRCh37 (hg19) VCF-style: chr7-107194765-A-T.
Other names: c.257T>A, p.Leu86Ter (NM_001161520.2, NM_001379511.1, NM_001379512.1 and 4 more transcripts); c.234+3656T>A (NM_001379516.1); short protein forms L86*.
Identifiers: ClinVar variation 3655402 (VCV003655402.2).